The following is an entry in ClinVar:

ClinVar aggregate classification (germline): Pathogenic (1 of 4 stars; one submission).

Conditions:
Catecholaminergic polymorphic ventricular tachycardia 1. Also called: RYR2-Related Catecholaminergic Polymorphic Ventricular Tachycardia; VENTRICULAR TACHYCARDIA, STRESS-INDUCED POLYMORPHIC 1; VENTRICULAR TACHYCARDIA, CATECHOLAMINERGIC POLYMORPHIC, 1, WITH OR WITHOUT ATRIAL DYSFUNCTION AND/OR DILATED CARDIOMYOPATHY. Identifiers: Orphanet 3286, MedGen C1631597, MONDO:0011484, OMIM 604772.

Submission:

Labcorp Genetics (formerly Invitae), Labcorp
Classification: Pathogenic for Catecholaminergic polymorphic ventricular tachycardia 1. Last evaluated: 2021-05-26. Review status: criteria provided, single submitter. Criteria: Invitae Variant Classification Sherloc (09022015). Collection method: clinical testing. Allele origin: germline.
Comment: For these reasons, this variant has been classified as Pathogenic. This variant has not been reported in the literature in individuals with CASQ2-related conditions. This variant is a gross deletion of the genomic region encompassing exon(s) 6 of the CASQ2 gene. This deletion is out-of-frame, and is expected to create a premature translational stop signal and result in an absent or disrupted protein product. Loss-of-function variants in CASQ2 are known to be pathogenic (PMID: 12386154).

Literature cited by the submitters: PubMed 12386154.

NC_000001.10:g.(?_116269603)_(116269753_?)del

Gene: CASQ2 (calsequestrin 2; minus strand). Cytogenetic location: 1p13.1.
Variant type: Deletion.
Identifiers: ClinVar variation 1455404 (VCV001455404.45).